The following is an entry in ClinVar:

NM_170606.3(KMT2C):c.12558T>C (p.Gly4186=)

Gene: KMT2C (lysine methyltransferase 2C; minus strand). Cytogenetic location: 7q36.1.
Variant type: single nucleotide variant.
Coding change: c.12558T>C on transcript NM_170606.3 (MANE Select); coding-DNA position 12558, T replaced by C.
Protein change: p.Gly4186=; no amino-acid change (glycine 4186 retained).
Molecular consequence: synonymous variant.
Genome position (GRCh38, 1-based): chr7:152,151,550, A>G on the plus strand (T>C on the coding strand, the complement: KMT2C is on the minus strand). VCF-style: chr7-152151550-A-G. GRCh37 (hg19) VCF-style: chr7-151848635-A-G.
Identifiers: ClinVar variation 2658196 (VCV002658196.24), dbSNP rs1257527039, ClinGen allele CA458693437.

ClinVar aggregate classification (germline): Likely benign (1 of 4 stars; one submission).

Allele frequency attached by ClinVar (database versions not stated): TOPMed below 0.00001; gnomAD 0.00001; gnomAD exomes 0.00001.
gnomAD v4.1: 9 of 1,614,006 alleles (0.00056%); highest among the groups gnomAD compares: Non-Finnish European, 0.00076%; no homozygotes.

Submission:

CeGaT Center for Human Genetics Tuebingen
Classification: Likely benign. Last evaluated: 2023-06-01. Review status: criteria provided, single submitter. Criteria: CeGaT Center For Human Genetics Tuebingen Variant Classification Criteria Version 2. Collection method: clinical testing. Allele origin: germline. Affected: yes. Observed: 1 variant allele.
Comment: KMT2C: BP4, BP7